The following is an entry in ClinVar:

NM_007294.4(BRCA1):c.4920A>G (p.Thr1640=)

Gene: BRCA1 (BRCA1 DNA repair associated; minus strand). Cytogenetic location: 17q21.31.
Variant type: single nucleotide variant.
Coding change: c.4920A>G on transcript NM_007294.4 (MANE Select); coding-DNA position 4920, A replaced by G.
Protein change: p.Thr1640=; no amino-acid change (threonine 1640 retained).
Molecular consequence: synonymous variant. On other transcripts: intron variant (1).
Genome position (GRCh38, 1-based): chr17:43,070,994, T>C on the plus strand (A>G on the coding strand, the complement: BRCA1 is on the minus strand). VCF-style: chr17-43070994-T-C. GRCh37 (hg19) VCF-style: chr17-41223011-T-C.
Other names: c.1530A>G, p.Thr510= (NM_001408414.1, NM_001408415.1, NM_001408416.1 and 2 more transcripts); c.1494A>G, p.Thr498= (NM_001408418.1, NM_001408419.1, NM_001408420.1); c.1491A>G, p.Thr497= (NM_001408421.1, NM_001408422.1, NM_001408423.1 and 1 more transcripts); c.1488A>G, p.Thr496= (NM_001408425.1, NM_001408426.1, NM_001408427.1 and 4 more transcripts); c.1485A>G, p.Thr495= (NM_001408432.1, NM_001408433.1, NM_001408434.1 and 10 more transcripts); c.1482A>G, p.Thr494= (NM_001408445.1, NM_001408446.1, NM_001408447.1 and 2 more transcripts); c.1476A>G, p.Thr492= (NM_001408451.1); c.1470A>G, p.Thr490= (NM_001408452.1, NM_001408453.1, NM_001408454.1 and 3 more transcripts); and 71 more.
Identifiers: ClinVar variation 865686 (VCV000865686.3), dbSNP rs2052378025, ClinGen allele CA500231661.

Conditions:
Breast-ovarian cancer, familial, susceptibility to, 1 (BROVCA1). Also called: BRCA1 Hereditary Breast and Ovarian Cancer; OVARIAN CANCER, SUSCEPTIBILITY TO. Identifiers: Orphanet 145, MedGen C2676676, MONDO:0011450, OMIM 604370. Disease mechanism: loss of function.

Submission:

Brotman Baty Institute, University of Washington
No classification provided (evidence only). Condition: Breast-ovarian cancer, familial 1. Review status: no classification provided. Collection method: in vitro. Allele origin: not applicable. Functional consequence: functionally_normal.
ClinVar note: "not provided" was previously submitted as the classification for the variant. However, the classification appeared to be based only on an observation of functional data so it was converted to no classification on 2025-07-30.